The following is an entry in ClinVar:

NM_003601.4(SMARCA5):c.2677G>A (p.Glu893Lys)

Gene: SMARCA5 (SNF2 related chromatin remodeling ATPase 5; plus strand). Cytogenetic location: 4q31.21.
Variant type: single nucleotide variant.
Coding change: c.2677G>A on transcript NM_003601.4 (MANE Select); coding-DNA position 2677, G replaced by A.
Protein change: p.Glu893Lys; replaces glutamic acid 893 with lysine.
Molecular consequence: missense variant.
Genome position (GRCh38, 1-based): chr4:143,547,408, G>A. VCF-style: chr4-143547408-G-A. GRCh37 (hg19) VCF-style: chr4-144468561-G-A.
Other names: c.2677G>A (NM_003601.3); short protein forms E893K.
Identifiers: ClinVar variation 1804057 (VCV001804057.2), dbSNP rs2531511686, ClinGen allele CA358344354.

ClinVar aggregate classification (germline): Pathogenic. Review status: criteria provided, multiple submitters, no conflicts (2 of 4 stars). 2 submissions from 2 submitters: Pathogenic (2). Last evaluated 2024-04-26.

Conditions:
Hypotonia. Also called: poor muscle tone; Muscular hypotonia. Identifiers: MedGen C0026827, HP:0001252.
Pes planus. Also called: flatfoot; Flat feet. Identifiers: MedGen C0016202, MONDO:0005293, HP:0001763.
Delayed CNS myelination. Identifiers: MedGen C4021758, HP:0002188.
Global developmental delay (DD). Also called: Cognitive delay. Identifiers: MedGen C0557874, HP:0001263. Disease mechanism: loss of function.

Submissions (2):

GeneDx
Classification: Pathogenic. Last evaluated: 2024-04-26. Review status: criteria provided, single submitter. Criteria: GeneDx Variant Classification Process June 2021. Collection method: clinical testing. Allele origin: germline. Affected: yes.
Comment: Not observed at significant frequency in large population cohorts (gnomAD); In silico analysis supports that this missense variant has a deleterious effect on protein structure/function; This variant is associated with the following publications: (PMID: 33980485)

Institute of Human Genetics Munich, TUM University Hospital
Classification: Pathogenic for Delayed CNS myelination; Pes planus; Global developmental delay; Hypotonia. Last evaluated: 2022-01-28. Review status: criteria provided, single submitter. Criteria: Classification criteria August 2017. Collection method: clinical testing. Allele origin: de novo. Inheritance: Autosomal dominant inheritance. Affected: yes. Observed: 1 variant allele.